The following is an entry in ClinVar:

ClinVar aggregate classification (germline): Uncertain significance (1 of 4 stars; one submission).

Conditions:
Bloom syndrome (BLM). Also called: Bloom-Torre-Machacek syndrome. Identifiers: Orphanet 125, MedGen C0005859, MONDO:0008876, OMIM 210900.

Submission:

Labcorp Genetics (formerly Invitae), Labcorp
Classification: Uncertain significance for Bloom syndrome. Last evaluated: 2023-08-19. Review status: criteria provided, single submitter. Criteria: Invitae Variant Classification Sherloc (09022015). Collection method: clinical testing. Allele origin: germline.
Comment: This sequence change falls in intron 2 of the BLM gene. It does not directly change the encoded amino acid sequence of the BLM protein. It affects a nucleotide within the consensus splice site. In summary, the available evidence is currently insufficient to determine the role of this variant in disease. Therefore, it has been classified as a Variant of Uncertain Significance. Variants that disrupt the consensus splice site are a relatively common cause of aberrant splicing (PMID: 17576681, 9536098). Algorithms developed to predict the effect of sequence changes on RNA splicing suggest that this variant may disrupt the consensus splice site. This variant has not been reported in the literature in individuals affected with BLM-related conditions. This variant is not present in population databases (gnomAD no frequency).

Literature cited by the submitters: PubMed 17576681; PubMed 9536098.

NM_000057.4(BLM):c.98+2_98+3insCT

Gene: BLM (BLM RecQ like helicase; plus strand). Cytogenetic location: 15q26.1.
Variant type: Insertion.
Coding change: c.98+2_98+3insCT on transcript NM_000057.4 (MANE Select); the canonical splice donor site of the intron after coding-DNA position 98 through 3 bases into the intron after coding-DNA position 98, CT inserted.
Molecular consequence: splice donor variant.
Genome position: GRCh38 VCF-style: chr15-90747491-G-GTC. GRCh37 (hg19) VCF-style: chr15-91290721-G-GTC.
Other names: c.98+2_98+3insCT (NM_001287246.2, NM_001287247.2); c.-1194+2_-1194+3insCT (NM_001287248.2).
Identifiers: ClinVar variation 2753941 (VCV002753941.3), dbSNP rs1555418016, ClinGen allele CA2697549318.